The following is an entry in ClinVar:

NM_000059.4(BRCA2):c.5317G>T (p.Glu1773Ter)

Gene: BRCA2 (BRCA2 DNA repair associated; plus strand). Cytogenetic location: 13q13.1.
Variant type: single nucleotide variant.
Coding change: c.5317G>T on transcript NM_000059.4 (MANE Select); coding-DNA position 5317, G replaced by T.
Protein change: p.Glu1773Ter; replaces glutamic acid 1773 with a stop codon.
Molecular consequence: nonsense.
Genome position (GRCh38, 1-based): chr13:32,339,672, G>T. VCF-style: chr13-32339672-G-T. GRCh37 (hg19) VCF-style: chr13-32913809-G-T.
Other names: short protein forms E1773*.
Identifiers: ClinVar variation 964048 (VCV000964048.10), dbSNP rs1566232201, ClinGen allele CA387784880.

ClinVar aggregate classification (germline): Pathogenic. Review status: criteria provided, multiple submitters, no conflicts (2 of 4 stars). 3 submissions from 3 submitters: Pathogenic (3). Last evaluated 2025-06-09.

Conditions:
Hereditary cancer-predisposing syndrome. Also called: Tumor predisposition; Hereditary neoplastic syndrome; Hereditary Cancer Syndrome; Neoplastic Syndromes, Hereditary. Identifiers: Orphanet 140162, MedGen C0027672, MeSH D009386, MONDO:0015356.
Hereditary breast ovarian cancer syndrome. Also called: BRCA1- and BRCA2-Associated Hereditary Breast and Ovarian Cancer; Hereditary breast and ovarian cancer; Hereditary breast and/or ovarian cancer syndrome; Hereditary breast and ovarian cancer syndrome; Hereditary breast and ovarian cancer syndrome (HBOC); Breast and ovarian cancer. Identifiers: Orphanet 145, MedGen C0677776, MeSH D061325, MONDO:0003582. Disease mechanism: loss of function.

Submissions (3):

Color Diagnostics, LLC DBA Color Health
Classification: Pathogenic for Hereditary cancer-predisposing syndrome. Last evaluated: 2025-06-09. Review status: criteria provided, single submitter. Criteria: ACMG Guidelines, 2015. Collection method: clinical testing. Allele origin: germline.
Comment: This variant changes 1 nucleotide in exon 11 of the BRCA2 gene, creating a premature translation stop signal. This variant is expected to result in an absent or non-functional protein product. To our knowledge, this variant has not been reported in individuals affected with BRCA2-related disorders in the literature. This variant has not been identified in the general population by the Genome Aggregation Database (gnomAD). Loss of BRCA2 function is a known mechanism of disease. Based on the available evidence, this variant is classified as Pathogenic.

Labcorp Genetics (formerly Invitae), Labcorp
Classification: Pathogenic for Hereditary breast ovarian cancer syndrome. Last evaluated: 2025-01-28. Review status: criteria provided, single submitter. Criteria: Invitae Variant Classification Sherloc (09022015). Collection method: clinical testing. Allele origin: germline.
Comment: This sequence change creates a premature translational stop signal (p.Glu1773*) in the BRCA2 gene. It is expected to result in an absent or disrupted protein product. Loss-of-function variants in BRCA2 are known to be pathogenic (PMID: 20104584). This variant is not present in population databases (gnomAD no frequency). This variant has not been reported in the literature in individuals affected with BRCA2-related conditions. ClinVar contains an entry for this variant (Variation ID: 964048). For these reasons, this variant has been classified as Pathogenic.

Ambry Genetics
Classification: Pathogenic for Hereditary cancer-predisposing syndrome. Last evaluated: 2022-02-24. Review status: criteria provided, single submitter. Criteria: Ambry Variant Classification Scheme 2023. Collection method: clinical testing. Allele origin: germline.
Comment: The p.E1773* pathogenic mutation (also known as c.5317G>T), located in coding exon 10 of the BRCA2 gene, results from a G to T substitution at nucleotide position 5317. This changes the amino acid from a glutamic acid to a stop codon within coding exon 10. This alteration is expected to result in loss of function by premature protein truncation or nonsense-mediated mRNA decay. As such, this alteration is interpreted as a disease-causing mutation.

Literature cited by the submitters: PubMed 20104584 (cited by Labcorp Genetics (formerly Invitae), Labcorp).